The following is an entry in ClinVar:

ClinVar aggregate classification (germline): Likely benign (1 of 4 stars; one submission).

gnomAD v4.1: 149 of 1,547,346 alleles (0.0096%); highest among the groups gnomAD compares: South Asian, 0.15%; 2 homozygotes.

Submission:

CeGaT Center for Human Genetics Tuebingen
Classification: Likely benign. Last evaluated: 2025-01-01. Review status: criteria provided, single submitter. Criteria: CeGaT Center For Human Genetics Tuebingen Variant Classification Criteria Version 2. Collection method: clinical testing. Allele origin: germline. Affected: yes. Observed: 1 variant allele.
Comment: PIEZO1: BP4, BS2

NM_001142864.4(PIEZO1):c.4495+5G>A

Gene: PIEZO1 (piezo type mechanosensitive ion channel component 1 (Er blood group); minus strand). Cytogenetic location: 16q24.3.
Variant type: single nucleotide variant.
Coding change: c.4495+5G>A on transcript NM_001142864.4 (MANE Select); 5 bases into the intron after coding-DNA position 4495, G replaced by A.
Molecular consequence: intron variant.
Genome position (GRCh38, 1-based): chr16:88,723,090, C>T on the plus strand (G>A on the coding strand, the complement: PIEZO1 is on the minus strand). VCF-style: chr16-88723090-C-T. GRCh37 (hg19) VCF-style: chr16-88789498-C-T.
Identifiers: ClinVar variation 3771384 (VCV003771384.13).
Genomic context (GRCh38, chr16:88,723,090, plus strand): 5'-GCGCTGGAGGGGCAGCCTGTGGGGCCAAGAGAGACCTCCCACTCCCCAGCCCCGGGCCCA[C>T]GTACCTGCCGCTGCCTCCTCGGGGCCCTCTGCTGGCTCCACCTCCTGGCTGGGACCACCT-3'